The following is an entry in ClinVar:

NM_004990.4(MARS1):c.42G>T (p.Pro14=)

Genes: ARHGAP9 (Rho GTPase activating protein 9; minus strand), MARS1 (methionyl-tRNA synthetase 1; plus strand). Cytogenetic location: 12q13.3.
Variant type: single nucleotide variant.
Coding change: c.42G>T on transcript NM_004990.4 (MANE Select); coding-DNA position 42, G replaced by T.
Protein change: p.Pro14=; no amino-acid change (proline 14 retained).
Molecular consequence: synonymous variant. On other transcripts: intron variant (1).
Genome position (GRCh38, 1-based): chr12:57,488,132, G>T. VCF-style: chr12-57488132-G-T. GRCh37 (hg19) VCF-style: chr12-57881915-G-T.
Other names: c.-204+480C>A (NM_001319850.2).
Identifiers: ClinVar variation 386932 (VCV000386932.16), dbSNP rs144002827, ClinGen allele CA6650008.
Genomic context (GRCh38, chr12:57,488,132, plus strand): 5'-GCGAGGGATTCACGGCGAAATGAGACTGTTCGTGAGTGATGGCGTCCCGGGTTGCTTGCC[G>T]GTGCTGGCCGCCGCCGGGAGAGCCCGGGGCAGAGCAGAGGTGCTCATCAGCACTGTAGGC-3'
Protein context (NP_004981.2, residues 4-24): FVSDGVPGCL[Pro14=]VLAAAGRARG

ClinVar aggregate classification (germline): Likely benign. Review status: criteria provided, multiple submitters, no conflicts (2 of 4 stars). 4 submissions from 4 submitters: Likely benign (4). Last evaluated 2025-12-22.

Conditions:
Severe early-onset pulmonary alveolar proteinosis due to MARS deficiency. Also called: PULMONARY ALVEOLAR PROTEINOSIS, REUNION ISLAND; Interstitial lung and liver disease. Identifiers: Orphanet 440427, MedGen C4225400, MONDO:0014206, OMIM 615486.
Charcot-Marie-Tooth disease axonal type 2U. Also called: CHARCOT-MARIE-TOOTH NEUROPATHY, TYPE 2U; CHARCOT-MARIE-TOOTH DISEASE, AXONAL, AUTOSOMAL DOMINANT, TYPE 2U. Identifiers: Orphanet 397735, MedGen C4084821, MONDO:0014566, OMIM 616280.
MARS1-related disorder. Also called: MARS1-related condition.

Allele frequency attached by ClinVar (database versions not stated): gnomAD 0.00033 and 0.00041; gnomAD exomes 0.00011 and 0.00004; ExAC 0.00012; ESP Exome Variant Server 0.00015; TOPMed 0.00048.
gnomAD v4.1: 116 of 1,614,174 alleles (0.0072%); highest among the groups gnomAD compares: African/African-American, 0.11%; no homozygotes.

Submissions (4):

Labcorp Genetics (formerly Invitae), Labcorp
Classification: Likely benign for Charcot-Marie-Tooth disease axonal type 2U; Severe early-onset pulmonary alveolar proteinosis due to MARS deficiency. Last evaluated: 2025-12-22. Review status: criteria provided, single submitter. Criteria: Invitae Variant Classification Sherloc (09022015). Collection method: clinical testing. Allele origin: germline.

PreventionGenetics, part of Exact Sciences
Classification: Likely benign for MARS1-related condition. Last evaluated: 2025-05-14. Review status: criteria provided, single submitter. Criteria: ACMG Guidelines, 2015. Collection method: clinical testing. Allele origin: germline.
Comment: This variant is classified as likely benign based on ACMG/AMP sequence variant interpretation guidelines (Richards et al. 2015 PMID: 25741868, with internal and published modifications).

Ambry Genetics
Classification: Likely benign. Last evaluated: 2019-07-11. Review status: criteria provided, single submitter. Criteria: Ambry Variant Classification Scheme 2023. Collection method: clinical testing. Allele origin: germline.

GeneDx
Classification: Likely benign. Last evaluated: 2016-06-28. Review status: criteria provided, single submitter. Criteria: GeneDx Variant Classification (06012015). Collection method: clinical testing. Allele origin: germline. Affected: yes.
Comment: This variant is considered likely benign or benign based on one or more of the following criteria: it is a conservative change, it occurs at a poorly conserved position in the protein, it is predicted to be benign by multiple in silico algorithms, and/or has population frequency not consistent with disease.